The following is an entry in ClinVar:

NM_004100.4(EYA4):c.724_(804_?)del

Gene: EYA4 (EYA transcriptional coactivator and phosphatase 4; plus strand). Cytogenetic location: 6q23.2.
Variant type: Deletion.
Coding change: c.724_(804_?)del on transcript NM_004100.4.
Identifiers: ClinVar variation 163445 (VCV000163445.4).

ClinVar aggregate classification (germline): Conflicting classifications of pathogenicity. Review status: criteria provided, conflicting classifications (1 of 4 stars). 2 submissions from 1 submitter: Pathogenic (1); Uncertain significance (1). Last evaluated 2014-03-12.

Conditions:
Primary dilated cardiomyopathy (DCM). Also called: Dilated Cardiomyopathy. Identifiers: Orphanet 217604, MedGen C0007193, MeSH D002311, MONDO:0005021, HP:0001644. Inheritance: Various modes of inheritance.
Rare genetic deafness. Identifiers: Orphanet 96210, MedGen C5680250.

Submissions (2):

Laboratory for Molecular Medicine, Mass General Brigham Personalized Medicine
Classification: Pathogenic for Rare genetic deafness. Last evaluated: 2014-03-12. Review status: criteria provided, single submitter. Criteria: LMM Criteria. Collection method: clinical testing. Allele origin: germline. Inheritance: Autosomal dominant inheritance. Observed: 1 variant allele.
Comment: The exon 9 - 10 deletion in EYA4, encompassing the last nucleotide of exon 9 thr ough part of intron 10 in EYA4, has been reported in 1 family with autosomal dom inant sensorineural hearing loss (SNHL) and DCM (this family; Schonberger 2000, Schonberger 2005). It was identified in multiple individuals with both SNHL and DCM (although several younger family members had only SNHL at the time of testin g) and was not identified in 300 control chromosomes (Schonberger 2005). RNA stu dies demonstrated that it introduces a frameshift, altering the protein?s amino acid sequence beginning at position 243 and leads to a premature termination cod on 29 amino acids downstream (Schonberger 2005). Truncating variant in EYA4 are well reported in families with SNHL, but other than this family, this gene has n ot been associated with cardiomyopathy. While the above evidence supports that t his EYA4 deletion is pathogenic for SNHL, additional studies are needed to furth er determine if this variant also causes to DCM.

Laboratory for Molecular Medicine, Mass General Brigham Personalized Medicine
Classification: Uncertain significance for Primary dilated cardiomyopathy. Last evaluated: 2014-03-12. Review status: criteria provided, single submitter. Criteria: LMM Criteria. Collection method: clinical testing. Allele origin: germline. Observed: 1 variant allele.

Literature cited by the submitters: PubMed 15735644; PubMed 10769282; PubMed 17567890.